The following is an entry in ClinVar:

ClinVar aggregate classification (germline): Uncertain significance (1 of 4 stars; one submission).

Allele frequency attached by ClinVar (database versions not stated): gnomAD exomes below 0.00001; ExAC 0.00001.
gnomAD v4.1: 1 of 1,603,980 alleles (0.000062%); highest among the groups gnomAD compares: Non-Finnish European, 0.000085%; no homozygotes.

Submission:

Labcorp Genetics (formerly Invitae), Labcorp
Classification: Uncertain significance. Last evaluated: 2021-12-22. Review status: criteria provided, single submitter. Criteria: Invitae Variant Classification Sherloc (09022015). Collection method: clinical testing. Allele origin: germline.
Comment: This sequence change replaces aspartic acid, which is acidic and polar, with asparagine, which is neutral and polar, at codon 813 of the GRIN2D protein (p.Asp813Asn). The frequency data for this variant in the population databases is considered unreliable, as metrics indicate poor data quality at this position in the gnomAD database. This variant has not been reported in the literature in individuals affected with GRIN2D-related conditions. Advanced modeling of protein sequence and biophysical properties (such as structural, functional, and spatial information, amino acid conservation, physicochemical variation, residue mobility, and thermodynamic stability) performed at Invitae indicates that this missense variant is expected to disrupt GRIN2D protein function. In summary, the available evidence is currently insufficient to determine the role of this variant in disease. Therefore, it has been classified as a Variant of Uncertain Significance.

NM_000836.4(GRIN2D):c.2437G>A (p.Asp813Asn)

Gene: GRIN2D (glutamate ionotropic receptor NMDA type subunit 2D; plus strand). Cytogenetic location: 19q13.33.
Variant type: single nucleotide variant.
Coding change: c.2437G>A on transcript NM_000836.4 (MANE Select); coding-DNA position 2437, G replaced by A.
Protein change: p.Asp813Asn; replaces aspartic acid 813 with asparagine.
Molecular consequence: missense variant.
Genome position (GRCh38, 1-based): chr19:48,441,953, G>A. VCF-style: chr19-48441953-G-A. GRCh37 (hg19) VCF-style: chr19-48945210-G-A.
Other names: short protein forms D813N.
Identifiers: ClinVar variation 2053233 (VCV002053233.4), dbSNP rs768177826, ClinGen allele CA9550731.